The following is an entry in ClinVar:

ClinVar aggregate classification (germline): Uncertain significance (1 of 4 stars; one submission).

Allele frequency attached by ClinVar (database versions not stated): ExAC 0.00002; gnomAD 0.00003 and 0.00004; TOPMed 0.00003; ESP Exome Variant Server 0.00008.
gnomAD v4.1: 153 of 1,612,966 alleles (0.0095%); highest among the groups gnomAD compares: Non-Finnish European, 0.012%; no homozygotes.

Submission:

Labcorp Genetics (formerly Invitae), Labcorp
Classification: Uncertain significance. Last evaluated: 2025-10-26. Review status: criteria provided, single submitter. Criteria: Invitae Variant Classification Sherloc (09022015). Collection method: clinical testing. Allele origin: germline.
Comment: This sequence change replaces proline, which is neutral and non-polar, with arginine, which is basic and polar, at codon 410 of the NFATC1 protein (p.Pro410Arg). This variant is present in population databases (rs201990048, gnomAD 0.004%). This variant has not been reported in the literature in individuals affected with NFATC1-related conditions. ClinVar contains an entry for this variant (Variation ID: 1391352). An algorithm developed to predict the effect of missense changes on protein structure and function (PolyPhen-2) suggests that this variant is likely to be tolerated. In summary, the available evidence is currently insufficient to determine the role of this variant in disease. Therefore, it has been classified as a Variant of Uncertain Significance.

NM_001278669.2(NFATC1):c.1229C>G (p.Pro410Arg)

Gene: NFATC1 (nuclear factor of activated T cells 1; plus strand). Cytogenetic location: 18q23.
Variant type: single nucleotide variant.
Coding change: c.1229C>G on transcript NM_001278669.2 (MANE Select); coding-DNA position 1229, C replaced by G.
Protein change: p.Pro410Arg; replaces proline 410 with arginine.
Molecular consequence: missense variant. On other transcripts: 5 prime UTR variant (2).
Genome position (GRCh38, 1-based): chr18:79,433,581, C>G. VCF-style: chr18-79433581-C-G. GRCh37 (hg19) VCF-style: chr18-77193581-C-G.
Other names: c.1229C>G, p.Pro410Arg (NM_001278670.2, NM_006162.5, NM_172390.3); c.1190C>G, p.Pro397Arg (NM_001278672.2, NM_001278675.2, NM_172387.3 and 1 more transcripts); c.-188C>G (NM_001278673.2, NM_172388.3); short protein forms P397R, P410R.
Identifiers: ClinVar variation 1391352 (VCV001391352.8), dbSNP rs201990048, ClinGen allele CA9009133.
Genomic context (GRCh38, chr18:79,433,581, plus strand): 5'-GTGGCCCGGGCGAGGTCTGTGTGGTGCTGAACGCCTCCTCTGCTCTGTTCCCTTCCAGCC[C>G]GACCCTGCCCGCCCTGGACTGGCAGCTGCCGTCCCACTCAGGCCCGTATGAGCTTCGGAT-3'
Protein context (NP_001265598.1, residues 400-420): KPLSPTSYMS[Pro410Arg]TLPALDWQLP